The following is an entry in ClinVar:

ClinVar aggregate classification (germline): Uncertain significance. Review status: criteria provided, multiple submitters, no conflicts (2 of 4 stars). 2 submissions from 2 submitters: Uncertain significance (2). Last evaluated 2021-11-04.

Conditions:
Citrullinemia. Identifiers: Orphanet 187, MedGen C0175683, MONDO:0015991.
Citrullinemia type I (CTNL1). Also called: ASS DEFICIENCY; argininosuccinate synthetase deficiency. Identifiers: Orphanet 247525, MedGen C4721769, MONDO:0008988, OMIM 215700.

Allele frequency attached by ClinVar (database versions not stated): gnomAD exomes 0.00002.
gnomAD v4.1: 16 of 1,613,890 alleles (0.00099%); highest among the groups gnomAD compares: African/African-American, 0.0093%; no homozygotes.

Submissions (2):

Labcorp Genetics (formerly Invitae), Labcorp
Classification: Uncertain significance for Citrullinemia. Last evaluated: 2021-11-04. Review status: criteria provided, single submitter. Criteria: Invitae Variant Classification Sherloc (09022015). Collection method: clinical testing. Allele origin: germline.
Comment: This sequence change replaces alanine, which is neutral and non-polar, with threonine, which is neutral and polar, at codon 164 of the ASS1 protein (p.Ala164Thr). This variant is present in population databases (rs201445618, gnomAD 0.01%). This variant has not been reported in the literature in individuals affected with ASS1-related conditions. Algorithms developed to predict the effect of missense changes on protein structure and function are either unavailable or do not agree on the potential impact of this missense change (SIFT: "Deleterious"; PolyPhen-2: "Benign"; Align-GVGD: "Class C0"). In summary, the available evidence is currently insufficient to determine the role of this variant in disease. Therefore, it has been classified as a Variant of Uncertain Significance.

Fulgent Genetics
Classification: Uncertain significance for Citrullinemia type I. Last evaluated: 2021-07-07. Review status: criteria provided, single submitter. Criteria: ACMG Guidelines, 2015. Collection method: clinical testing. Allele origin: unknown.

NM_054012.4(ASS1):c.490G>A (p.Ala164Thr)

Gene: ASS1 (argininosuccinate synthase 1; plus strand). Cytogenetic location: 9q34.11.
Variant type: single nucleotide variant.
Coding change: c.490G>A on transcript NM_054012.4 (MANE Select); coding-DNA position 490, G replaced by A.
Protein change: p.Ala164Thr; replaces alanine 164 with threonine.
Molecular consequence: missense variant.
Genome position (GRCh38, 1-based): chr9:130,466,794, G>A. VCF-style: chr9-130466794-G-A. GRCh37 (hg19) VCF-style: chr9-133342181-G-A.
Other names: c.490G>A, p.Ala164Thr (NM_000050.4); short protein forms A164T.
Identifiers: ClinVar variation 1366187 (VCV001366187.4), dbSNP rs201445618, ClinGen allele CA200614156.
Genomic context (GRCh38, chr9:130,466,794, plus strand): 5'-CCCTGGAGGATGCCTGAATTCTACAACCGGTTCAAGGGCCGCAATGACCTGATGGAGTAC[G>A]CAAAGGTATGGCCGAGTCTCCCCACCACCCCCAACCTTTCCCTATAGCCCCCTTCCCGGG-3'
Protein context (NP_446464.1, residues 154-174): FKGRNDLMEY[Ala164Thr]KQHGIPIPVT